The following is an entry in ClinVar:

NM_032043.3(BRIP1):c.3407T>G (p.Leu1136Arg)

Gene: BRIP1 (BRCA1 interacting DNA helicase 1; minus strand). Cytogenetic location: 17q23.2.
Variant type: single nucleotide variant.
Coding change: c.3407T>G on transcript NM_032043.3 (MANE Select); coding-DNA position 3407, T replaced by G.
Protein change: p.Leu1136Arg; replaces leucine 1136 with arginine.
Molecular consequence: missense variant.
Genome position (GRCh38, 1-based): chr17:61,683,639, A>C on the plus strand (T>G on the coding strand, the complement: BRIP1 is on the minus strand). VCF-style: chr17-61683639-A-C. GRCh37 (hg19) VCF-style: chr17-59761000-A-C.
Other names: short protein forms L1136R.
Identifiers: ClinVar variation 936091 (VCV000936091.10), dbSNP rs2061308258, ClinGen allele CA400478794.
Genomic context (GRCh38, chr17:61,683,639, plus strand): 5'-TTTCCTCTATCAGTTTCAGCTAGGTCATTTTTTTCTTCATCTGTATCTTCAGGATCATAA[A>C]GTTCAGGTGTAAAATAGATAGATTCATCTTCTGCTTCTGTTTCAAAATCTCTATTTGAAG-3'
Protein context (NP_114432.2, residues 1126-1146): EDESIYFTPE[Leu1136Arg]YDPEDTDEEK

ClinVar aggregate classification (germline): Uncertain significance (1 of 4 stars; one submission).

Conditions:
Familial cancer of breast. Also called: hereditary breast carcinoma; BREAST CANCER, FAMILIAL; Hereditary breast cancer. Identifiers: Orphanet 227535, MedGen C0346153, MONDO:0016419, OMIM 114480. Disease mechanism: loss of function.
Fanconi anemia complementation group J. Also called: BRIP1-Related Fanconi Anemia. Identifiers: Orphanet 84, MedGen C1836860, MONDO:0012187, OMIM 609054.

Submission:

Labcorp Genetics (formerly Invitae), Labcorp
Classification: Uncertain significance for Familial cancer of breast; Fanconi anemia complementation group J. Last evaluated: 2020-04-16. Review status: criteria provided, single submitter. Criteria: Invitae Variant Classification Sherloc (09022015). Collection method: clinical testing. Allele origin: germline.
Comment: In summary, the available evidence is currently insufficient to determine the role of this variant in disease. Therefore, it has been classified as a Variant of Uncertain Significance. Algorithms developed to predict the effect of missense changes on protein structure and function are either unavailable or do not agree on the potential impact of this missense change (SIFT: "Deleterious"; PolyPhen-2: "Probably Damaging"; Align-GVGD: "Class C0"). This variant has not been reported in the literature in individuals with BRIP1-related conditions. This variant is not present in population databases (ExAC no frequency). This sequence change replaces leucine with arginine at codon 1136 of the BRIP1 protein (p.Leu1136Arg). The leucine residue is moderately conserved and there is a moderate physicochemical difference between leucine and arginine.